The following is an entry in ClinVar:

ClinVar aggregate classification (germline): Pathogenic (1 of 4 stars; one submission).

Conditions:
Alagille syndrome due to a JAG1 point mutation. Also called: JAG1-Related Alagille Syndrome; HEPATIC DUCTULAR HYPOPLASIA, SYNDROMATIC; Alagille Syndrome 1. Identifiers: Orphanet 261619, Orphanet 52, MedGen C1956125, MONDO:0016862, OMIM 118450.

Submission:

Labcorp Genetics (formerly Invitae), Labcorp
Classification: Pathogenic for Alagille syndrome due to a JAG1 point mutation. Last evaluated: 2019-02-04. Review status: criteria provided, single submitter. Criteria: Invitae Variant Classification Sherloc (09022015). Collection method: clinical testing. Allele origin: germline.
Comment: This sequence change creates a premature translational stop signal (p.Cys187Thrfs*222) in the JAG1 gene. It is expected to result in an absent or disrupted protein product. For these reasons, this variant has been classified as Pathogenic. Loss-of-function variants in JAG1 are known to be pathogenic (PMID: 11180599). This variant has not been reported in the literature in individuals with JAG1-related conditions. This variant is not present in population databases (ExAC no frequency).

Literature cited by the submitters: PubMed 11180599.

NM_000214.3(JAG1):c.558_567del (p.Cys187fs)

Gene: JAG1 (jagged canonical Notch ligand 1; minus strand). Cytogenetic location: 20p12.2.
Variant type: Deletion.
Coding change: c.558_567del on transcript NM_000214.3 (MANE Select); coding-DNA positions 558 to 567, 10 bases deleted (CTGTGATGAC; older notation c.558_567delCTGTGATGAC).
Protein change: p.Cys187fs; shifts the reading frame from cysteine 187.
Molecular consequence: frameshift variant.
Genome position (GRCh38, 1-based): chr20:10,658,595-10,658,604, GTCATCACAG deleted on the plus strand (CTGTGATGAC on the coding strand, the reverse complement: JAG1 is on the minus strand); deleting any 10 consecutive bases within chr20:10,658,595-10,658,608 gives the same sequence; the c. name uses the placement nearest the transcript's 3' end. VCF-style (leftmost placement, unchanged base first): chr20-10658594-AGTCATCACAG-A. GRCh37 (hg19) VCF-style: chr20-10639242-AGTCATCACAG-A.
Other names: short protein forms C187fs.
Identifiers: ClinVar variation 850086 (VCV000850086.7), dbSNP rs2067393679, ClinGen allele CA916083750.
Genomic context (GRCh38, chr20:10,658,594, plus strand): 5'-AGTGTCCAAAGAAGTCATCTCTGGGGCGGCAGAACTTATTGCAGCCAAAGCCATAGTAGT[AGTCATCACAG>A]GTCACGCGGATCTGATACTCAAAGTGGGCAACGCCCGTGTTCTGCTTCAGCGTCTGCCAC-3'